The following is an entry in ClinVar:

NM_006158.5(NEFL):c.1492G>A (p.Ala498Thr)

Gene: NEFL (neurofilament light chain; minus strand). Cytogenetic location: 8p21.2.
Variant type: single nucleotide variant.
Coding change: c.1492G>A on transcript NM_006158.5 (MANE Select); coding-DNA position 1492, G replaced by A.
Protein change: p.Ala498Thr; replaces alanine 498 with threonine.
Molecular consequence: missense variant.
Genome position (GRCh38, 1-based): chr8:24,952,950, C>T on the plus strand (G>A on the coding strand, the complement: NEFL is on the minus strand). VCF-style: chr8-24952950-C-T. GRCh37 (hg19) VCF-style: chr8-24810463-C-T.
Other names: short protein forms A498T.
Identifiers: ClinVar variation 66678 (VCV000066678.9), dbSNP rs151208148, ClinGen allele CA217507.

ClinVar aggregate classification (germline): Uncertain significance. Review status: criteria provided, single submitter (1 of 4 stars). 3 submissions from 3 submitters: Uncertain significance (1). 2 of the submissions do not count toward it. Last evaluated 2025-10-10.

Conditions:
Charcot-Marie-Tooth disease type 2E (CMT2E). Also called: CHARCOT-MARIE-TOOTH NEUROPATHY, TYPE 2E; CHARCOT-MARIE-TOOTH DISEASE, AXONAL, TYPE 2E. Identifiers: Orphanet 99939, MedGen C1843225, MONDO:0011894, OMIM 607684.

Allele frequency attached by ClinVar (database versions not stated): 1000 Genomes Project 0.00020; gnomAD 0.00001 and 0.00003; TOPMed 0.00002; ExAC 0.00005; gnomAD exomes 0.00005 and 0.00011; 1000 Genomes Project 30x 0.00016.

Submissions (3):

Labcorp Genetics (formerly Invitae), Labcorp
Classification: Uncertain significance for Charcot-Marie-Tooth disease type 2E. Last evaluated: 2025-10-10. Review status: criteria provided, single submitter. Criteria: Invitae Variant Classification Sherloc (09022015). Collection method: clinical testing. Allele origin: germline.
Comment: This sequence change replaces alanine, which is neutral and non-polar, with threonine, which is neutral and polar, at codon 498 of the NEFL protein (p.Ala498Thr). This variant is present in population databases (rs151208148, gnomAD 0.06%). This missense change has been observed in individual(s) with clinical features of Charcot-Marie-Tooth disease (PMID: 19158810). ClinVar contains an entry for this variant (Variation ID: 66678). Experimental studies and prediction algorithms are not available or were not evaluated, and the functional significance of this variant is currently unknown. In summary, the available evidence is currently insufficient to determine the role of this variant in disease. Therefore, it has been classified as a Variant of Uncertain Significance.

Epithelial Biology;  Institute of Medical Biology, Singapore
No classification provided. Review status: no classification provided. Collection method: not provided. Allele origin: not provided. Not counted in ClinVar's aggregate classification.

Inherited Neuropathy Consortium
Classification: Likely benign. Review status: no assertion criteria provided. Collection method: literature only. Allele origin: germline. Affected: yes. Not counted in ClinVar's aggregate classification.

Literature cited by the submitters: PubMed 19158810 (cited by Labcorp Genetics (formerly Invitae), Labcorp); PubMed 12477167 (cited by Inherited Neuropathy Consortium).